The following is an entry in ClinVar:

ClinVar aggregate classification (germline): Pathogenic (1 of 4 stars; one submission).

Conditions:
Primary pulmonary hypertension. Also called: Idiopathic pulmonary hypertension. Identifiers: MedGen C0152171.

Submission:

Labcorp Genetics (formerly Invitae), Labcorp
Classification: Pathogenic for Primary pulmonary hypertension. Last evaluated: 2025-02-12. Review status: criteria provided, single submitter. Criteria: Invitae Variant Classification Sherloc (09022015). Collection method: clinical testing. Allele origin: germline.
Comment: This sequence change creates a premature translational stop signal (p.Gln458*) in the BMPR2 gene. It is expected to result in an absent or disrupted protein product. Loss-of-function variants in BMPR2 are known to be pathogenic (PMID: 16429395). This variant is not present in population databases (gnomAD no frequency). This premature translational stop signal has been observed in individual(s) with pulmonary hypertension (PMID: 29743074). For these reasons, this variant has been classified as Pathogenic.

Literature cited by the submitters: PubMed 16429395; PubMed 29743074.

NM_001204.7(BMPR2):c.1372C>T (p.Gln458Ter)

Gene: BMPR2 (bone morphogenetic protein receptor type 2; plus strand). Cytogenetic location: 2q33.2.
Variant type: single nucleotide variant.
Coding change: c.1372C>T on transcript NM_001204.7 (MANE Select); coding-DNA position 1372, C replaced by T.
Protein change: p.Gln458Ter; replaces glutamine 458 with a stop codon.
Molecular consequence: nonsense.
Genome position (GRCh38, 1-based): chr2:202,542,406, C>T. VCF-style: chr2-202542406-C-T. GRCh37 (hg19) VCF-style: chr2-203407129-C-T.
Other names: short protein forms Q458*.
Identifiers: ClinVar variation 4737576 (VCV004737576.1).